The following is an entry in ClinVar:

NM_000530.8(MPZ):c.274G>A (p.Val92Met)

Gene: MPZ (myelin protein zero; minus strand). Cytogenetic location: 1q23.3.
Variant type: single nucleotide variant.
Coding change: c.274G>A on transcript NM_000530.8 (MANE Select); coding-DNA position 274, G replaced by A.
Protein change: p.Val92Met; replaces valine 92 with methionine.
Molecular consequence: missense variant.
Genome position (GRCh38, 1-based): chr1:161,306,882, C>T on the plus strand (G>A on the coding strand, the complement: MPZ is on the minus strand). VCF-style: chr1-161306882-C-T. GRCh37 (hg19) VCF-style: chr1-161276672-C-T.
Other names: c.274G>A, p.Val92Met (LRG_256t1, NM_001315491.2); short protein forms V92M.
Identifiers: ClinVar variation 242745 (VCV000242745.10), dbSNP rs267607245, ClinGen allele CA351456.

ClinVar aggregate classification (germline): Uncertain significance. Review status: criteria provided, multiple submitters, no conflicts (2 of 4 stars). 2 submissions from 2 submitters: Uncertain significance (2). Last evaluated 2023-02-27.

Conditions:
Charcot-Marie-Tooth disease, type I (CMT1). Also called: Charcot-Marie-Tooth, Type 1; Charcot-Marie-Tooth disease type 1. Identifiers: Orphanet 65753, MedGen C0751036, MONDO:0019011.

Submissions (2):

Labcorp Genetics (formerly Invitae), Labcorp
Classification: Uncertain significance for Charcot-Marie-Tooth disease, type I. Last evaluated: 2023-02-27. Review status: criteria provided, single submitter. Criteria: Invitae Variant Classification Sherloc (09022015). Collection method: clinical testing. Allele origin: germline.
Comment: In summary, the available evidence is currently insufficient to determine the role of this variant in disease. Therefore, it has been classified as a Variant of Uncertain Significance. Advanced modeling of protein sequence and biophysical properties (such as structural, functional, and spatial information, amino acid conservation, physicochemical variation, residue mobility, and thermodynamic stability) performed at Invitae indicates that this missense variant is not expected to disrupt MPZ protein function. ClinVar contains an entry for this variant (Variation ID: 242745). This missense change has been observed in individual(s) with Charcot-Marie-Tooth disease (PMID: 11835375). This variant is not present in population databases (gnomAD no frequency). This sequence change replaces valine, which is neutral and non-polar, with methionine, which is neutral and non-polar, at codon 92 of the MPZ protein (p.Val92Met).

GeneDx
Classification: Uncertain significance. Last evaluated: 2017-07-21. Review status: criteria provided, single submitter. Criteria: GeneDx Variant Classification (06012015). Collection method: clinical testing. Allele origin: germline. Affected: yes.
Comment: A variant of uncertain significance has been identified in the MPZ gene. The V92M variant has been previously reported in a patient with CMT2 who also had two other MPZ variants, I162M and V92M; analysis of cloned PCR fragments was consistent with all 3 alleles being present on the same allele (in cis) (Boerkoel et al., 2001). The V92M variant is not observed in large population cohorts (Lek et al., 2016; 1000 Genomes Consortium et al., 2015; Exome Variant Server). The V92M variant is a conservative amino acid substitution, which is not likely to impact secondary protein structure as these residues share similar properties. This substitution occurs at a position that is conserved in mammals. In silico analysis is inconsistent in its predictions as to whether or not the variant is damaging to the protein structure/function. Missense variants in nearby residues (Y88H, I89N, D90E/H, G93E/A, K96E, E97V) have been reported in the Human Gene Mutation Database in association with CMT (Stenson et al., 2014), supporting the functional importance of this region of the protein. Additionally, the majority of missense variants in this gene are considered pathogenic (Stenson et al., 2014). Therefore, based on the currently available information, it is unclear whether this variant is a pathogenic variant or a rare benign variant.

Literature cited by the submitters: PubMed 11835375 (cited by Labcorp Genetics (formerly Invitae), Labcorp).